The following is an entry in ClinVar:

ClinVar aggregate classification (germline): Uncertain significance (1 of 4 stars; one submission).

Conditions:
Spermatogenic failure 18. Identifiers: MedGen C4539783, MONDO:0054615, OMIM 617576.
Ciliary dyskinesia, primary, 37 (CILD37). Also called: CILIARY DYSKINESIA, PRIMARY, 37, WITH OR WITHOUT SITUS INVERSUS. Identifiers: MedGen C4539798, MONDO:0033204, OMIM 617577.

Allele frequency attached by ClinVar (database versions not stated): gnomAD exomes below 0.00001 and 0.00001; gnomAD 0.00001; TOPMed 0.00001.
gnomAD v4.1: 11 of 1,606,822 alleles (0.00068%); highest among the groups gnomAD compares: Non-Finnish European, 0.00093%; no homozygotes.

Submission:

Labcorp Genetics (formerly Invitae), Labcorp
Classification: Uncertain significance for Ciliary dyskinesia, primary, 37; Spermatogenic failure 18. Last evaluated: 2021-09-16. Review status: criteria provided, single submitter. Criteria: Invitae Variant Classification Sherloc (09022015). Collection method: clinical testing. Allele origin: germline.
Comment: In summary, the available evidence is currently insufficient to determine the role of this variant in disease. Therefore, it has been classified as a Variant of Uncertain Significance. Algorithms developed to predict the effect of missense changes on protein structure and function are either unavailable or do not agree on the potential impact of this missense change (SIFT: "Deleterious"; PolyPhen-2: "Benign"; Align-GVGD: "Class C0"). This variant has not been reported in the literature in individuals affected with DNAH1-related conditions. This variant is not present in population databases (ExAC no frequency). This sequence change replaces glutamic acid with glycine at codon 2542 of the DNAH1 protein (p.Glu2542Gly). The glutamic acid residue is highly conserved and there is a moderate physicochemical difference between glutamic acid and glycine.

NM_015512.5(DNAH1):c.7625A>G (p.Glu2542Gly)

Gene: DNAH1 (dynein axonemal heavy chain 1; plus strand). Cytogenetic location: 3p21.1.
Variant type: single nucleotide variant.
Coding change: c.7625A>G on transcript NM_015512.5 (MANE Select); coding-DNA position 7625, A replaced by G.
Protein change: p.Glu2542Gly; replaces glutamic acid 2542 with glycine.
Molecular consequence: missense variant.
Genome position (GRCh38, 1-based): chr3:52,381,656, A>G. VCF-style: chr3-52381656-A-G. GRCh37 (hg19) VCF-style: chr3-52415672-A-G.
Other names: short protein forms E2542G.
Identifiers: ClinVar variation 1498101 (VCV001498101.6), dbSNP rs1160595853, ClinGen allele CA353179609.
Genomic context (GRCh38, chr3:52,381,656, plus strand): 5'-AGTAAGAGAGACCCCGCCTTCCCCATCCTCGCCTTGGTGCACAGATGATGCAGGTGATAG[A>G]GGAGTACATAGAGGACTACAACCAGATCAACACGGCCAAGCTGAAGCTGGTCCTCTTCAT-3'
Protein context (NP_056327.4, residues 2532-2552): TSESKMMQVI[Glu2542Gly]EYIEDYNQIN